The following is an entry in ClinVar:

NM_001393769.1(MED12L):c.5981G>A (p.Gly1994Asp)

Gene: MED12L (mediator complex subunit 12L; plus strand). Cytogenetic location: 3q25.1.
Variant type: single nucleotide variant.
Coding change: c.5981G>A on transcript NM_001393769.1 (MANE Select); coding-DNA position 5981, G replaced by A.
Protein change: p.Gly1994Asp; replaces glycine 1994 with aspartic acid.
Molecular consequence: missense variant.
Genome position (GRCh38, 1-based): chr3:151,411,348, G>A. VCF-style: chr3-151411348-G-A. GRCh37 (hg19) VCF-style: chr3-151129136-G-A.
Other names: c.5876G>A, p.Gly1959Asp (NM_053002.6); short protein forms G1959D, G1994D.
Identifiers: ClinVar variation 4056612 (VCV004056612.1).

ClinVar aggregate classification (germline): Uncertain significance (1 of 4 stars; one submission).

Conditions:
Nizon-Isidor syndrome. Identifiers: MedGen C5394350, MONDO:0030030, OMIM 618872.

Submission:

Laboratorio de Genetica e Diagnostico Molecular, Hospital Israelita Albert Einstein
Classification: Uncertain significance for Nizon-Isidor syndrome. Last evaluated: 2023-10-13. Review status: criteria provided, single submitter. Criteria: ACMG Guidelines, 2015. Collection method: clinical testing. Allele origin: germline. Affected: yes.
Comment: ACMG classification criteria: PM2 moderate, PP2 supporting, BP4 supporting